The following is an entry in ClinVar:

NM_006269.2(RP1):c.205A>T (p.Asn69Tyr)

Gene: RP1 (RP1 axonemal microtubule associated; plus strand). Cytogenetic location: 8q12.1.
Variant type: single nucleotide variant.
Coding change: c.205A>T on transcript NM_006269.2 (MANE Select); coding-DNA position 205, A replaced by T.
Protein change: p.Asn69Tyr; replaces asparagine 69 with tyrosine.
Molecular consequence: missense variant.
Genome position (GRCh38, 1-based): chr8:54,621,171, A>T. VCF-style: chr8-54621171-A-T. GRCh37 (hg19) VCF-style: chr8-55533731-A-T.
Other names: short protein forms N69Y.
Identifiers: ClinVar variation 195262 (VCV000195262.16), dbSNP rs794727282, ClinGen allele CA241610.

ClinVar aggregate classification (germline): Uncertain significance. Review status: criteria provided, multiple submitters, no conflicts (2 of 4 stars). 2 submissions from 2 submitters: Uncertain significance (2). Last evaluated 2025-07-15.

Allele frequency attached by ClinVar (database versions not stated): gnomAD exomes below 0.00001; TOPMed 0.00001; gnomAD 0.00002.
gnomAD v4.1: 44 of 1,614,038 alleles (0.0027%); highest among the groups gnomAD compares: Non-Finnish European, 0.0036%; no homozygotes.

Submissions (2):

Labcorp Genetics (formerly Invitae), Labcorp
Classification: Uncertain significance. Last evaluated: 2025-07-15. Review status: criteria provided, single submitter. Criteria: Invitae Variant Classification Sherloc (09022015). Collection method: clinical testing. Allele origin: germline.
Comment: This sequence change replaces asparagine, which is neutral and polar, with tyrosine, which is neutral and polar, at codon 69 of the RP1 protein (p.Asn69Tyr). This variant is present in population databases (rs794727282, gnomAD 0.0009%). This missense change has been observed in individual(s) with Leber's congenitcal amaurosis (PMID: 36011402). ClinVar contains an entry for this variant (Variation ID: 195262). An algorithm developed to predict the effect of missense changes on protein structure and function (PolyPhen-2) suggests that this variant is likely to be disruptive. In summary, the available evidence is currently insufficient to determine the role of this variant in disease. Therefore, it has been classified as a Variant of Uncertain Significance.

Eurofins Ntd Llc (ga)
Classification: Uncertain significance. Last evaluated: 2014-06-25. Review status: criteria provided, single submitter. Criteria: EGL Classification Definitions 2015. Collection method: clinical testing. Allele origin: germline. Observed: 1 variant allele, 1 heterozygote.

Literature cited by the submitters: PubMed 36011402 (cited by Labcorp Genetics (formerly Invitae), Labcorp).